The following is an entry in ClinVar:

NM_031293.3(PMFBP1):c.1815AGA[2] (p.Glu607del)

Gene: PMFBP1 (polyamine modulated factor 1 binding protein 1; minus strand). Cytogenetic location: 16q22.2.
Variant type: Microsatellite.
Coding change: c.1815AGA[2] on transcript NM_031293.3 (MANE Select); two copies in a row of the 3-base unit AGA starting at c.1815; the reference has three copies in a row; one copy, 3 bases deleted.
Protein change: p.Glu607del; deletes glutamic acid 607.
Genome position (GRCh38, 1-based): chr16:72,129,193-72,129,195, TCT deleted on the plus strand (AGA on the coding strand, the reverse complement: PMFBP1 is on the minus strand); deleting any 3 consecutive bases within chr16:72,129,193-72,129,201 gives the same sequence; the position shown is the placement nearest the transcript's 3' end. VCF-style (leftmost placement, unchanged base first): chr16-72129192-ATCT-A. GRCh37 (hg19) VCF-style: chr16-72163091-ATCT-A.
Other names: c.1380AGA[2], p.Glu462del (NM_001160213.2); short protein forms E462del, E607del.
Identifiers: ClinVar variation 3050751 (VCV003050751.2), dbSNP rs528523205, ClinGen allele CA8161566.

ClinVar aggregate classification (germline): Likely benign (0 of 4 stars; one submission).

Conditions:
PMFBP1-related disorder. Also called: PMFBP1-related condition.

Submission:

PreventionGenetics, part of Exact Sciences
Classification: Likely benign for PMFBP1-related condition. Last evaluated: 2019-03-06. Review status: no assertion criteria provided. Collection method: clinical testing. Allele origin: germline.
Comment: This variant is classified as likely benign based on ACMG/AMP sequence variant interpretation guidelines (Richards et al. 2015 PMID: 25741868, with internal and published modifications).